The following is an entry in ClinVar:

ClinVar aggregate classification (germline): Uncertain significance. Review status: criteria provided, multiple submitters, no conflicts (2 of 4 stars). 3 submissions from 3 submitters: Uncertain significance (3). Last evaluated 2026-02-18.

Conditions:
Inborn genetic diseases. Identifiers: MedGen C0950123, MeSH D030342.

gnomAD v4.1: 29 of 1,601,132 alleles (0.0018%); highest among the groups gnomAD compares: South Asian, 0.0033%; no homozygotes.

Submissions (3):

GeneDx
Classification: Uncertain significance. Last evaluated: 2026-02-18. Review status: criteria provided, single submitter. Criteria: GeneDx Variant Classification Process June 2021. Collection method: clinical testing. Allele origin: germline.
Comment: Not observed at significant frequency in large population cohorts (gnomAD); In silico analysis suggests that this missense variant does not alter protein structure/function; Has not been previously published as pathogenic or benign to our knowledge; In silico analysis suggests this variant may impact gene splicing. In the absence of RNA/functional studies, the actual effect of this sequence change is unknown.

Women's Health and Genetics/Laboratory Corporation of America, LabCorp
Classification: Uncertain significance. Last evaluated: 2023-10-13. Review status: criteria provided, single submitter. Criteria: LabCorp Variant Classification Summary - May 2015. Collection method: clinical testing. Allele origin: germline.
Comment: Variant summary: PKD1 c.8086C>T (p.Leu2696Phe) results in a non-conservative amino acid change located in the REJ domain (IPR014010) of the encoded protein sequence. Four of five in-silico tools predict a benign effect of the variant on protein function. The variant was absent in 172992 control chromosomes. The available data on variant occurrences in the general population are insufficient to allow any conclusion about variant significance. To our knowledge, no occurrence of c.8086C>T in individuals affected with Polycystic Kidney Disease 1 and no experimental evidence demonstrating its impact on protein function have been reported. One submitter has cited clinical-significance assessments for this variant to ClinVar after 2014 and has classified the variant as uncertain significance. Based on the evidence outlined above, the variant was classified as uncertain significance.

Ambry Genetics
Classification: Uncertain significance for Inborn genetic diseases. Last evaluated: 2023-02-03. Review status: criteria provided, single submitter. Criteria: Ambry Variant Classification Scheme 2023. Collection method: clinical testing. Allele origin: germline.

NM_001009944.3(PKD1):c.8086C>T (p.Leu2696Phe)

Gene: PKD1 (polycystin 1, transient receptor potential channel interacting; minus strand). Cytogenetic location: 16p13.3.
Variant type: single nucleotide variant.
Coding change: c.8086C>T on transcript NM_001009944.3 (MANE Select); coding-DNA position 8086, C replaced by T.
Protein change: p.Leu2696Phe; replaces leucine 2696 with phenylalanine.
Molecular consequence: missense variant.
Genome position (GRCh38, 1-based): chr16:2,104,573, G>A on the plus strand (C>T on the coding strand, the complement: PKD1 is on the minus strand). VCF-style: chr16-2104573-G-A. GRCh37 (hg19) VCF-style: chr16-2154574-G-A.
Other names: c.8086C>T, p.Leu2696Phe (NM_000296.4); short protein forms L2696F.
Identifiers: ClinVar variation 2469496 (VCV002469496.4), dbSNP rs143923681, ClinGen allele CA394365434.
Genomic context (GRCh38, chr16:2,104,573, plus strand): 5'-TGCTGTCTCCGATGGCGGTGGGCGTCACGGTGCCCGCGGTGGTCTCTGCCTGCAGGATGA[G>A]CATCATGGCCTCCAGCTTGTGCAGCGTCTGCTTCAGGCACGAGCGGCATACGAGCTCCCT-3'
Protein context (NP_001009944.3, residues 2686-2706): QTLHKLEAMM[Leu2696Phe]ILQAETTAGT